The following is an entry in ClinVar:

ClinVar aggregate classification (germline): Uncertain significance. Review status: criteria provided, multiple submitters, no conflicts (2 of 4 stars). 2 submissions from 2 submitters: Uncertain significance (2). Last evaluated 2025-10-16.

Submissions (2):

Women's Health and Genetics/Laboratory Corporation of America, LabCorp
Classification: Uncertain significance. Last evaluated: 2025-10-16. Review status: criteria provided, single submitter. Criteria: LabCorp Variant Classification Summary - May 2015. Collection method: clinical testing. Allele origin: germline.
Comment: Variant summary: AEBP1 c.1243G>A (p.Gly415Ser) results in a non-conservative amino acid change in the encoded protein sequence. Algorithms developed to predict the effect of missense changes on protein structure and function all suggest that this variant is likely to be disruptive. The variant allele was found at a frequency of 1.2e-05 in 250102 control chromosomes. The available data on variant occurrences in the general population are insufficient to allow any conclusion about variant significance. To our knowledge, no occurrence of c.1243G>A in individuals affected with AEBP1-related conditions and no experimental evidence demonstrating its impact on protein function have been reported. ClinVar contains an entry for this variant (Variation ID: 3384597). Based on the evidence outlined above, the variant was classified as uncertain significance.

GeneDx
Classification: Uncertain significance. Last evaluated: 2024-06-05. Review status: criteria provided, single submitter. Criteria: GeneDx Variant Classification Process June 2021. Collection method: clinical testing. Allele origin: germline. Affected: yes.
Comment: Not observed at significant frequency in large population cohorts (gnomAD); In silico analysis supports that this missense variant has a deleterious effect on protein structure/function; Has not been previously published as pathogenic or benign to our knowledge

NM_001129.5(AEBP1):c.1243G>A (p.Gly415Ser)

Gene: AEBP1 (AE binding protein 1; plus strand). Cytogenetic location: 7p13.
Variant type: single nucleotide variant.
Coding change: c.1243G>A on transcript NM_001129.5 (MANE Select); coding-DNA position 1243, G replaced by A.
Protein change: p.Gly415Ser; replaces glycine 415 with serine.
Molecular consequence: missense variant.
Genome position (GRCh38, 1-based): chr7:44,110,107, G>A. VCF-style: chr7-44110107-G-A. GRCh37 (hg19) VCF-style: chr7-44149706-G-A.
Other names: short protein forms G415S.
Identifiers: ClinVar variation 3384597 (VCV003384597.2).
Genomic context (GRCh38, chr7:44,110,107, plus strand): 5'-ATTGAGGACAACCAGATCCGAGCCTCCTCCATGCTGCGCCACGGCCTGGGGGCACAGCGC[G>A]GCCGGCTCAACATGCAGGTGGGCATTGGGATGGGCCCATCTCCCAACTGGGATAAGGGAC-3'
Protein context (NP_001120.3, residues 405-425): MLRHGLGAQR[Gly415Ser]RLNMQTGATE